The following is an entry in ClinVar:

NM_001148.6(ANK2):c.4055A>G (p.Asp1352Gly)

Gene: ANK2 (ankyrin 2; plus strand). Cytogenetic location: 4q26.
Variant type: single nucleotide variant.
Coding change: c.4055A>G on transcript NM_001148.6 (MANE Select); coding-DNA position 4055, A replaced by G.
Protein change: p.Asp1352Gly; replaces aspartic acid 1352 with glycine.
Molecular consequence: missense variant.
Genome position (GRCh38, 1-based): chr4:113,341,849, A>G. VCF-style: chr4-113341849-A-G. GRCh37 (hg19) VCF-style: chr4-114263005-A-G.
Other names: c.4028A>G, p.Asp1343Gly (NM_001127493.3); c.4067A>G, p.Asp1356Gly (NM_001354225.2); c.3956A>G, p.Asp1319Gly (NM_001354228.2, NM_001354258.2); c.4034A>G, p.Asp1345Gly (NM_001354230.2); c.4097A>G, p.Asp1366Gly (NM_001354231.2, NM_001354242.2); c.4091A>G, p.Asp1364Gly (NM_001354232.2); c.4052A>G, p.Asp1351Gly (NM_001354235.2, NM_001354246.2, NM_001354265.2); c.3953A>G, p.Asp1318Gly (NM_001354236.2); and 31 more; short protein forms D1191G, D1224G, D1252G, D1257G, D1265G, D1277G, D1281G, D1285G.
Identifiers: ClinVar variation 1217283 (VCV001217283.6), dbSNP rs2153979257, ClinGen allele CA357910008.

ClinVar aggregate classification (germline): Uncertain significance. Review status: criteria provided, multiple submitters, no conflicts (2 of 4 stars). 3 submissions from 3 submitters: Uncertain significance (3). Last evaluated 2023-04-23.

Conditions:
Cardiovascular phenotype. Identifiers: MedGen CN230736.
Long QT syndrome (LQTS). Identifiers: MedGen C0023976, MeSH D008133, MONDO:0002442. Disease mechanism: loss of function. Inheritance: Various modes of inheritance.

gnomAD v4.1: 2 of 1,614,108 alleles (0.00012%); highest among the groups gnomAD compares: Non-Finnish European, 0.00017%; no homozygotes.

Submissions (3):

Labcorp Genetics (formerly Invitae), Labcorp
Classification: Uncertain significance for Long QT syndrome. Last evaluated: 2023-04-23. Review status: criteria provided, single submitter. Criteria: Invitae Variant Classification Sherloc (09022015). Collection method: clinical testing. Allele origin: germline.
Comment: This sequence change replaces aspartic acid, which is acidic and polar, with glycine, which is neutral and non-polar, at codon 1352 of the ANK2 protein (p.Asp1352Gly). This variant is not present in population databases (gnomAD no frequency). This missense change has been observed in individual(s) with long QT syndrome (PMID: 23631430). In summary, the available evidence is currently insufficient to determine the role of this variant in disease. Therefore, it has been classified as a Variant of Uncertain Significance. Advanced modeling of protein sequence and biophysical properties (such as structural, functional, and spatial information, amino acid conservation, physicochemical variation, residue mobility, and thermodynamic stability) has been performed at Invitae for this missense variant, however the output from this modeling did not meet the statistical confidence thresholds required to predict the impact of this variant on ANK2 protein function. ClinVar contains an entry for this variant (Variation ID: 1217283).

Women's Health and Genetics/Laboratory Corporation of America, LabCorp
Classification: Uncertain significance. Last evaluated: 2021-08-29. Review status: criteria provided, single submitter. Criteria: LabCorp Variant Classification Summary - May 2015. Collection method: clinical testing. Allele origin: germline.
Comment: Variant summary: ANK2 c.4055A>G (p.Asp1352Gly) results in a non-conservative amino acid change located in the Ankyrin, UPA domain (IPR040745) of the encoded protein sequence. Four of five in-silico tools predict a damaging effect of the variant on protein function. The variant was absent in 251220 control chromosomes. The available data on variant occurrences in the general population are insufficient to allow any conclusion about variant significance. c.4055A>G has been reported in the literature as a VUS in setting of multigene panel testing for long QT syndrome in at-least one individual within a cohort of individuals referred for LQTS genetic testing (example, Lieve_2013). These report(s) do not provide unequivocal conclusions about association of the variant with Long QT Syndrome. To our knowledge, no experimental evidence demonstrating an impact on protein function has been reported. No clinical diagnostic laboratories have submitted clinical-significance assessments for this variant to ClinVar after 2014. Based on the evidence outlined above, the variant was classified as uncertain significance.

Ambry Genetics
Classification: Uncertain significance for Cardiovascular phenotype. Last evaluated: 2020-09-25. Review status: criteria provided, single submitter. Criteria: Ambry Variant Classification Scheme 2023. Collection method: clinical testing. Allele origin: germline.
Comment: The p.D1352G variant (also known as c.4055A>G), located in coding exon 33 of the ANK2 gene, results from an A to G substitution at nucleotide position 4055. The aspartic acid at codon 1352 is replaced by glycine, an amino acid with similar properties. This amino acid position is highly conserved in available vertebrate species. In addition, this alteration is predicted to be deleterious by in silico analysis. Since supporting evidence is limited at this time, the clinical significance of this alteration remains unclear.

Literature cited by the submitters: PubMed 23631430 (cited by Labcorp Genetics (formerly Invitae), Labcorp and Women's Health and Genetics/Laboratory Corporation of America, LabCorp).